The following is an entry in ClinVar:

NM_000512.5(GALNS):c.1391C>A (p.Ala464Asp)

Genes: GALNS (galactosamine (N-acetyl)-6-sulfatase; minus strand), LOC126862447 (CDK7 strongly-dependent group 2 enhancer GRCh37_chr16:88884193-88885392; plus strand). Cytogenetic location: 16q24.3.
Variant type: single nucleotide variant.
Coding change: c.1391C>A on transcript NM_000512.5 (MANE Select); coding-DNA position 1391, C replaced by A.
Protein change: p.Ala464Asp; replaces alanine 464 with aspartic acid.
Molecular consequence: missense variant.
Genome position (GRCh38, 1-based): chr16:88,818,098, G>T on the plus strand (C>A on the coding strand, the complement: GALNS is on the minus strand). VCF-style: chr16-88818098-G-T. GRCh37 (hg19) VCF-style: chr16-88884506-G-T.
Other names: c.836C>A, p.Ala279Asp (NM_001323543.2); c.1409C>A, p.Ala470Asp (NM_001323544.2); short protein forms A279D, A464D, A470D.
Identifiers: ClinVar variation 3776356 (VCV003776356.1).
Genomic context (GRCh38, chr16:88,818,098, plus strand): 5'-GGCTGCGCGGGGACCAAGGCCTCCTGGTGCTGCTGGACGACCGAGGTGATCCTGCTGAGG[G>T]CCTCCTGGTACTCGGCGCTGGCAAAGCTGGGGACAGAGAGCTCTGGTCACACGGCTGGGG-3'
Protein context (NP_000503.1, residues 454-474): LSFASAEYQE[Ala464Asp]LSRITSVVQQ

ClinVar aggregate classification (germline): Uncertain significance (1 of 4 stars; one submission).

Submission:

GeneDx
Classification: Uncertain significance. Last evaluated: 2024-10-07. Review status: criteria provided, single submitter. Criteria: GeneDx Variant Classification Process June 2021. Collection method: clinical testing. Allele origin: germline. Affected: yes.
Comment: Not observed at significant frequency in large population cohorts (gnomAD); In silico analysis supports that this missense variant has a deleterious effect on protein structure/function; Has not been previously published as pathogenic or benign to our knowledge